The following is an entry in ClinVar:

NM_004168.4(SDHA):c.1130C>T (p.Ala377Val)

Gene: SDHA (succinate dehydrogenase complex flavoprotein subunit A; plus strand). Cytogenetic location: 5p15.33.
Variant type: single nucleotide variant.
Coding change: c.1130C>T on transcript NM_004168.4 (MANE Select); coding-DNA position 1130, C replaced by T.
Protein change: p.Ala377Val; replaces alanine 377 with valine.
Molecular consequence: missense variant.
Genome position (GRCh38, 1-based): chr5:235,209, C>T. VCF-style: chr5-235209-C-T. GRCh37 (hg19) VCF-style: chr5-235324-C-T.
Other names: c.986C>T, p.Ala329Val (NM_001294332.2); c.1130C>T, p.Ala377Val (NM_001330758.2); short protein forms A329V, A377V.
Identifiers: ClinVar variation 1018294 (VCV001018294.11), dbSNP rs1553999443, ClinGen allele CA359013520.

ClinVar aggregate classification (germline): Uncertain significance. Review status: criteria provided, multiple submitters, no conflicts (2 of 4 stars). 2 submissions from 2 submitters: Uncertain significance (2). Last evaluated 2025-10-13.

Conditions:
Mitochondrial complex II deficiency, nuclear type 1. Also called: SUCCINATE CoQ REDUCTASE DEFICIENCY. Identifiers: Orphanet 3208, MedGen C5700310, MONDO:0100294, OMIM 252011.
Pheochromocytoma/paraganglioma syndrome 5. Also called: Paragangliomas 5; SDHA-Related Hereditary Paraganglioma-Pheochromocytoma Syndrome. Identifiers: Orphanet 29072, MedGen C3279992, MONDO:0013602, OMIM 614165.
Hereditary cancer-predisposing syndrome. Also called: Tumor predisposition; Hereditary neoplastic syndrome; Neoplastic Syndromes, Hereditary; Hereditary Cancer Syndrome. Identifiers: Orphanet 140162, MedGen C0027672, MeSH D009386, MONDO:0015356.

Allele frequency attached by ClinVar (database versions not stated): gnomAD exomes below 0.00001.
gnomAD v4.1: 3 of 1,613,992 alleles (0.00019%); highest among the groups gnomAD compares: Non-Finnish European, 0.00025%; no homozygotes.

Submissions (2):

Labcorp Genetics (formerly Invitae), Labcorp
Classification: Uncertain significance for Pheochromocytoma/paraganglioma syndrome 5; Mitochondrial complex II deficiency, nuclear type 1. Last evaluated: 2025-10-13. Review status: criteria provided, single submitter. Criteria: Invitae Variant Classification Sherloc (09022015). Collection method: clinical testing. Allele origin: germline.
Comment: This sequence change replaces alanine, which is neutral and non-polar, with valine, which is neutral and non-polar, at codon 377 of the SDHA protein (p.Ala377Val). This variant is not present in population databases (gnomAD no frequency). This variant has not been reported in the literature in individuals affected with SDHA-related conditions. ClinVar contains an entry for this variant (Variation ID: 1018294). Invitae Evidence Modeling of protein sequence and biophysical properties (such as structural, functional, and spatial information, amino acid conservation, physicochemical variation, residue mobility, and thermodynamic stability) indicates that this missense variant is not expected to disrupt SDHA protein function with a negative predictive value of 95%. In summary, the available evidence is currently insufficient to determine the role of this variant in disease. Therefore, it has been classified as a Variant of Uncertain Significance.

Ambry Genetics
Classification: Uncertain significance for Hereditary cancer-predisposing syndrome. Last evaluated: 2023-10-06. Review status: criteria provided, single submitter. Criteria: Ambry Variant Classification Scheme 2023. Collection method: clinical testing. Allele origin: germline.
Comment: The p.A377V variant (also known as c.1130C>T), located in coding exon 9 of the SDHA gene, results from a C to T substitution at nucleotide position 1130. The alanine at codon 377 is replaced by valine, an amino acid with similar properties. This amino acid position is well conserved in available vertebrate species. In addition, the in silico prediction for this alteration is inconclusive. Since supporting evidence is limited at this time, the clinical significance of this alteration remains unclear.